The following is an entry in ClinVar:

ClinVar aggregate classification (germline): Uncertain significance (1 of 4 stars; one submission).

Conditions:
Autosomal recessive limb-girdle muscular dystrophy type 2I. Also called: MUSCULAR DYSTROPHY-DYSTROGLYCANOPATHY (LIMB-GIRDLE), TYPE C, 5; MUSCULAR DYSTROPHY-DYSTROGLYCANOPATHY, LIMB-GIRDLE, FRKP-RELATED; MUSCULAR DYSTROPHY, LIMB-GIRDLE, TYPE 2I. Identifiers: Orphanet 34515, MedGen C1846672, MONDO:0011787, OMIM 607155.

Submission:

Diagnostics Services (NGS), CSIR - Centre For Cellular And Molecular Biology
Classification: Uncertain significance for Autosomal recessive limb-girdle muscular dystrophy type 2I. Last evaluated: 2021-05-19. Review status: criteria provided, single submitter. Criteria: ACMG Guidelines, 2015. Collection method: clinical testing. Allele origin: germline. Inheritance: Autosomal recessive inheritance. Affected: yes. Observed: 1 variant allele, 1 homozygote.
Comment: The c.1130A>G variant is not present in publicly available population databases like 1000 Genomes, Exome Variant Server (EVS), Exome Aggregation Consortium (ExAC), Genome Aggregation Database (gnomAD) and dbSNP. The variant is also not present in Indian Exome Database [Kausthubham et al. Hum Mutat, 2021] and in our in-house exome database. The variant was not earlier reported to ClinVar, Human Genome Mutation Database (HGMD) and/or OMIM databases in any affected individuals. Predictions from different in-silico pathogenicity prediction programs like SIFT, PolyPhen-3, MutationTaster2, CADD, Varsome etc. are contradictory. however these predictions were not confirmed by any established functional studies. Due to lack of enough evidence the variant has been classified as uncertain significance.

NM_024301.5(FKRP):c.1130A>G (p.Gln377Arg)

Gene: FKRP (fukutin related protein; plus strand). Cytogenetic location: 19q13.32.
Variant type: single nucleotide variant.
Coding change: c.1130A>G on transcript NM_024301.5 (MANE Select); coding-DNA position 1130, A replaced by G.
Protein change: p.Gln377Arg; replaces glutamine 377 with arginine.
Molecular consequence: missense variant.
Genome position (GRCh38, 1-based): chr19:46,756,580, A>G. VCF-style: chr19-46756580-A-G. GRCh37 (hg19) VCF-style: chr19-47259837-A-G.
Other names: c.1130A>G, p.Gln377Arg (NM_001039885.3); short protein forms Q377R.
Identifiers: ClinVar variation 1173108 (VCV001173108.4), dbSNP rs2122631661, ClinGen allele CA406496717.